The following is an entry in ClinVar:

NM_004415.4(DSP):c.7897A>G (p.Ile2633Val)

Gene: DSP (desmoplakin; plus strand). Cytogenetic location: 6p24.3.
Variant type: single nucleotide variant.
Coding change: c.7897A>G on transcript NM_004415.4 (MANE Select); coding-DNA position 7897, A replaced by G.
Protein change: p.Ile2633Val; replaces isoleucine 2633 with valine.
Molecular consequence: missense variant.
Genome position (GRCh38, 1-based): chr6:7,585,159, A>G. VCF-style: chr6-7585159-A-G. GRCh37 (hg19) VCF-style: chr6-7585392-A-G.
Other names: c.6100A>G, p.Ile2034Val (NM_001008844.3); c.6568A>G, p.Ile2190Val (NM_001319034.2); short protein forms I2633V, I2034V, I2190V.
Identifiers: ClinVar variation 4245127 (VCV004245127.2).

ClinVar aggregate classification (germline): Uncertain significance (1 of 4 stars; one submission).

Conditions:
Cardiovascular phenotype. Identifiers: MedGen CN230736.

gnomAD v4.1: 2 of 1,614,060 alleles (0.00012%); highest among the groups gnomAD compares: African/African-American, 0.0027%; no homozygotes.

Submission:

Ambry Genetics
Classification: Uncertain significance for Cardiovascular phenotype. Last evaluated: 2026-09-11. Review status: criteria provided, single submitter. Criteria: Ambry Variant Classification Scheme 2023. Collection method: clinical testing. Allele origin: germline.
Comment: The p.I2633V variant (also known as c.7897A>G), located in coding exon 24 of the DSP gene, results from an A to G substitution at nucleotide position 7897. The isoleucine at codon 2633 is replaced by valine, an amino acid with highly similar properties. This amino acid position is conserved. In addition, this alteration is predicted to be tolerated by in silico analysis. Based on the available evidence, the clinical significance of this variant remains unclear.